The following is an entry in ClinVar:

GRCh37/hg19 1q22(chr1:155181714-155207954)x3

Genes: GBA1 (glucosylceramidase beta 1; minus strand), MTX1 (metaxin 1; plus strand). Cytogenetic location: 1q22.
Variant type: copy number gain.
Change: copy number 3 (three copies instead of two) of chr1:155,181,714-155,207,954 (26.2 kb, GRCh37 coordinates, 1-based), cytogenetic band 1q22.
Identifiers: ClinVar variation 394057 (VCV000394057.4).

ClinVar aggregate classification (germline): Benign/Likely benign (0 of 4 stars; one submission).

Submission:

ISCA Site 6
Classification: Benign/Likely benign. Review status: no assertion criteria provided. Collection method: clinical testing. Allele origin: unknown. Affected: yes. Observed: 5 variant alleles. Clinical features observed: Developmental delay AND/OR other significant developmental or morphological phenotypes.
Comment: Likely benign (1), Benign (4)

Copy number variation identified through the course of routine clinical cytogenomic testing in postnatal populations, with clinical assertions as classified by the original submitter. For data from the original published study, Kaminsky, et al. 2011 (PubMed 21844811), please see nstd101.